The following is an entry in ClinVar:

ClinVar aggregate classification (germline): Uncertain significance. Review status: criteria provided, multiple submitters, no conflicts (2 of 4 stars). 2 submissions from 2 submitters: Uncertain significance (2). Last evaluated 2025-10-07.

Conditions:
Familial adenomatous polyposis 1 (FAP1). Also called: POLYPOSIS, ADENOMATOUS INTESTINAL; FAMILIAL ADENOMATOUS POLYPOSIS 1, ATTENUATED. Identifiers: MedGen C2713442, MONDO:0021056, OMIM 175100. Disease mechanism: loss of function.

Submissions (2):

Labcorp Genetics (formerly Invitae), Labcorp
Classification: Uncertain significance for Familial adenomatous polyposis 1. Last evaluated: 2025-10-07. Review status: criteria provided, single submitter. Criteria: Invitae Variant Classification Sherloc (09022015). Collection method: clinical testing. Allele origin: germline.
Comment: This sequence change replaces alanine, which is neutral and non-polar, with serine, which is neutral and polar, at codon 476 of the APC protein (p.Ala476Ser). This variant is not present in population databases (gnomAD no frequency). This variant has not been reported in the literature in individuals affected with APC-related conditions. ClinVar contains an entry for this variant (Variation ID: 1319602). Invitae Evidence Modeling of protein sequence and biophysical properties (such as structural, functional, and spatial information, amino acid conservation, physicochemical variation, residue mobility, and thermodynamic stability) indicates that this missense variant is not expected to disrupt APC protein function with a negative predictive value of 95%. In summary, the available evidence is currently insufficient to determine the role of this variant in disease. Therefore, it has been classified as a Variant of Uncertain Significance.

Institute for Clinical Genetics, University Hospital TU Dresden, University Hospital TU Dresden
Classification: Uncertain significance. Last evaluated: 2021-11-03. Review status: criteria provided, single submitter. Criteria: ACMG Guidelines, 2015. Collection method: clinical testing. Allele origin: germline.

NM_000038.6(APC):c.1426G>T (p.Ala476Ser)

Gene: APC (APC regulator of Wnt signaling pathway; plus strand). Cytogenetic location: 5q22.2.
Variant type: single nucleotide variant.
Coding change: c.1426G>T on transcript NM_000038.6 (MANE Select); coding-DNA position 1426, G replaced by T.
Protein change: p.Ala476Ser; replaces alanine 476 with serine.
Molecular consequence: missense variant.
Genome position (GRCh38, 1-based): chr5:112,827,125, G>T. VCF-style: chr5-112827125-G-T. GRCh37 (hg19) VCF-style: chr5-112162822-G-T.
Other names: c.1426G>T, p.Ala476Ser (NM_001127510.3, NM_001354895.2); c.1372G>T, p.Ala458Ser (NM_001127511.3); c.1480G>T, p.Ala494Ser (NM_001354896.2); c.1456G>T, p.Ala486Ser (NM_001354897.2); c.1351G>T, p.Ala451Ser (NM_001354898.2); c.1342G>T, p.Ala448Ser (NM_001354899.2); c.1303G>T, p.Ala435Ser (NM_001354900.2); c.1249G>T, p.Ala417Ser (NM_001354901.2); and 5 more; short protein forms A193S, A316S, A350S, A375S, A385S, A417S, A435S, A448S.
Identifiers: ClinVar variation 1319602 (VCV001319602.4), dbSNP rs786203723, ClinGen allele CA16024428.